The following is an entry in ClinVar:

NM_001849.4(COL6A2):c.1078G>T (p.Ala360Ser)

Gene: COL6A2 (collagen type VI alpha 2 chain; plus strand). Cytogenetic location: 21q22.3.
Variant type: single nucleotide variant.
Coding change: c.1078G>T on transcript NM_001849.4 (MANE Select); coding-DNA position 1078, G replaced by T.
Protein change: p.Ala360Ser; replaces alanine 360 with serine.
Molecular consequence: missense variant.
Genome position (GRCh38, 1-based): chr21:46,117,898, G>T. VCF-style: chr21-46117898-G-T. GRCh37 (hg19) VCF-style: chr21-47537812-G-T.
Other names: c.1078G>T, p.Ala360Ser (NM_058174.3, NM_058175.3); short protein forms A360S.
Identifiers: ClinVar variation 476448 (VCV000476448.9), dbSNP rs1555873523, ClinGen allele CA410527547.
Genomic context (GRCh38, chr21:46,117,898, plus strand): 5'-CCGTGTGCCGAGCTCCACCTCTCACTCCTCTCTCAGGGCCCCGACGGTTACCCGGGGGAA[G>T]CAGGGAGTCCAGGGGAGCGAGGAGACCAAGGCGGCAAGGTAAGTGGCCTTGTCAGGGTAC-3'
Protein context (NP_001840.3, residues 350-370): NRGPDGYPGE[Ala360Ser]GSPGERGDQG

ClinVar aggregate classification (germline): Uncertain significance (1 of 4 stars; one submission).

Conditions:
Bethlem myopathy 1A. Also called: Bethlem Muscular Dystrophy; MYOPATHY, BENIGN CONGENITAL, WITH CONTRACTURES; Bethlem myopathy 1. Identifiers: Orphanet 610, MedGen CN029274, MONDO:0024530, OMIM 158810.

Submission:

Labcorp Genetics (formerly Invitae), Labcorp
Classification: Uncertain significance for Bethlem myopathy 1A. Last evaluated: 2017-02-15. Review status: criteria provided, single submitter. Criteria: Invitae Variant Classification Sherloc (09022015). Collection method: clinical testing. Allele origin: germline.
Comment: This variant is not present in population databases (ExAC no frequency) and has not been reported in the literature in individuals with a COL6A2-related disease. In summary, this variant is a novel missense change with uncertain impact on protein function. It has been classified as a Variant of Uncertain Significance. Algorithms developed to predict the effect of missense changes on protein structure and function do not agree on the potential impact of this missense change (SIFT: "Tolerated"; PolyPhen-2: "Probably Damaging"; Align-GVGD: "Class C0"). This sequence change replaces alanine with serine at codon 360 of the COL6A2 protein (p.Ala360Ser). The alanine residue is moderately conserved and there is a moderate physicochemical difference between alanine and serine.